The following is an entry in ClinVar:

ClinVar aggregate classification (germline): Pathogenic. Review status: criteria provided, multiple submitters, no conflicts (2 of 4 stars). 2 submissions from 2 submitters: Pathogenic (2). Last evaluated 2024-06-19.

Conditions:
Joubert syndrome. Also called: CEREBELLOPARENCHYMAL DISORDER IV; JOUBERT-BOLTSHAUSER SYNDROME; Familial aplasia of the vermis. Identifiers: Orphanet 475, MedGen C5979921, MONDO:0018772.
Joubert syndrome 3 (JBTS3). Also called: AHI1-related Ciliopathy. Identifiers: Orphanet 220493, MedGen C1837713, MONDO:0012078, OMIM 608629.

Allele frequency attached by ClinVar (database versions not stated): ExAC 0.00001; gnomAD exomes 0.00001; gnomAD 0.00005 and 0.00006; TOPMed 0.00006.
gnomAD v4.1: 12 of 1,596,698 alleles (0.00075%); highest among the groups gnomAD compares: African/African-American, 0.016%; no homozygotes.

Submissions (2):

Fulgent Genetics
Classification: Pathogenic for Joubert syndrome 3. Last evaluated: 2024-06-19. Review status: criteria provided, single submitter. Criteria: ACMG Guidelines, 2015. Collection method: clinical testing. Allele origin: germline.

Labcorp Genetics (formerly Invitae), Labcorp
Classification: Pathogenic for Joubert syndrome. Last evaluated: 2023-05-09. Review status: criteria provided, single submitter. Criteria: Invitae Variant Classification Sherloc (09022015). Collection method: clinical testing. Allele origin: germline.
Comment: This sequence change affects a donor splice site in intron 18 of the AHI1 gene. It is expected to disrupt RNA splicing. Variants that disrupt the donor or acceptor splice site typically lead to a loss of protein function (PMID: 16199547), and loss-of-function variants in AHI1 are known to be pathogenic (PMID: 15322546, 16453322, 28442542, 29186038). This variant is present in population databases (rs751823180, gnomAD 0.02%). Disruption of this splice site has been observed in individual(s) with Joubert syndrome (PMID: 32865313). ClinVar contains an entry for this variant (Variation ID: 842564). Algorithms developed to predict the effect of sequence changes on RNA splicing suggest that this variant may disrupt the consensus splice site. For these reasons, this variant has been classified as Pathogenic.

Literature cited by the submitters: PubMed 16199547 (cited by Labcorp Genetics (formerly Invitae), Labcorp); PubMed 15322546 (cited by Labcorp Genetics (formerly Invitae), Labcorp); PubMed 16453322 (cited by Labcorp Genetics (formerly Invitae), Labcorp); PubMed 28442542 (cited by Labcorp Genetics (formerly Invitae), Labcorp); PubMed 29186038 (cited by Labcorp Genetics (formerly Invitae), Labcorp); PubMed 32865313 (cited by Labcorp Genetics (formerly Invitae), Labcorp).

NM_001134831.2(AHI1):c.2623+1G>A

Gene: AHI1 (Abelson helper integration site 1; minus strand). Cytogenetic location: 6q23.3.
Variant type: single nucleotide variant.
Coding change: c.2623+1G>A on transcript NM_001134831.2 (MANE Select); the canonical splice donor site of the intron after coding-DNA position 2623, G replaced by A.
Molecular consequence: splice donor variant.
Genome position (GRCh38, 1-based): chr6:135,428,628, C>T on the plus strand (G>A on the coding strand, the complement: AHI1 is on the minus strand). VCF-style: chr6-135428628-C-T. GRCh37 (hg19) VCF-style: chr6-135749766-C-T.
Other names: c.2623+1G>A (NM_001134830.2, NM_001350503.2, NM_017651.5 and 2 more transcripts).
Identifiers: ClinVar variation 842564 (VCV000842564.9), dbSNP rs751823180, ClinGen allele CA4012333.
Genomic context (GRCh38, chr6:135,428,628, plus strand): 5'-TCACACTTCTTCAAACCCCTGTACCTCCCCAAATGATTTTTAAAGTTCAATAAACATTCA[C>T]CTGTTTCTGGGTTCCAAACATACACTATACCATCCTCACTTCCAGCAAACAGAAAAGTCC-3'